The following is an entry in ClinVar:

NM_007294.4(BRCA1):c.5044del (p.Glu1682fs)

Gene: BRCA1 (BRCA1 DNA repair associated; minus strand). Cytogenetic location: 17q21.31.
Variant type: Deletion.
Coding change: c.5044del on transcript NM_007294.4 (MANE Select); coding-DNA position 5044, one base deleted (G; older notation c.5044delG).
Protein change: p.Glu1682fs; shifts the reading frame from glutamic acid 1682.
Molecular consequence: frameshift variant. On other transcripts: intron variant (1).
Genome position (GRCh38, 1-based): chr17:43,067,638, C deleted on the plus strand (G on the coding strand, the reverse complement: BRCA1 is on the minus strand). VCF-style (leftmost placement, unchanged base first): chr17-43067637-TC-T. GRCh37 (hg19) VCF-style: chr17-41219654-TC-T.
Other names: c.4660del, p.Glu1554fs (NM_001407960.1, NM_001407962.1); c.4537del, p.Glu1513fs (NM_001407965.1); c.4156del, p.Glu1386fs (NM_001407966.1); c.4657del, p.Glu1553fs (NM_001407963.1); c.4153del, p.Glu1385fs (NM_001407967.1); c.4582del, p.Glu1528fs (NM_001407964.1); c.4831del, p.Glu1611fs (NM_001407571.1, NM_001407894.1, NM_001407895.1 and 12 more transcripts); c.5110del, p.Glu1704fs (NM_001407581.1, NM_001407582.1); and 71 more; short protein forms E1555fs, E1592fs, E1633fs, E1639fs, E1641fs, E1682fs, E1702fs, E402fs.
Identifiers: ClinVar variation 3481811 (VCV003481811.1).

ClinVar aggregate classification (germline): Pathogenic (1 of 4 stars; one submission).

Conditions:
Hereditary cancer-predisposing syndrome. Also called: Tumor predisposition; Neoplastic Syndromes, Hereditary; Hereditary Cancer Syndrome; Hereditary neoplastic syndrome. Identifiers: Orphanet 140162, MedGen C0027672, MeSH D009386, MONDO:0015356.

Submission:

Ambry Genetics
Classification: Pathogenic for Hereditary cancer-predisposing syndrome. Last evaluated: 2024-06-26. Review status: criteria provided, single submitter. Criteria: Ambry Variant Classification Scheme 2023. Collection method: clinical testing. Allele origin: germline.
Comment: The c.5044delG pathogenic mutation, located in coding exon 15 of the BRCA1 gene, results from a deletion of one nucleotide at nucleotide position 5044, causing a translational frameshift with a predicted alternate stop codon (p.E1682Kfs*8). This variant is considered to be rare based on population cohorts in the Genome Aggregation Database (gnomAD). This alteration is expected to result in loss of function by premature protein truncation or nonsense-mediated mRNA decay. As such, this alteration is interpreted as a disease-causing mutation.